The following is an entry in ClinVar:

NM_033026.6(PCLO):c.9191C>G (p.Ser3064Cys)

Gene: PCLO (piccolo presynaptic cytomatrix protein; minus strand). Cytogenetic location: 7q21.11.
Variant type: single nucleotide variant.
Coding change: c.9191C>G on transcript NM_033026.6 (MANE Select); coding-DNA position 9191, C replaced by G.
Protein change: p.Ser3064Cys; replaces serine 3064 with cysteine.
Molecular consequence: missense variant.
Genome position (GRCh38, 1-based): chr7:82,951,397, G>C on the plus strand (C>G on the coding strand, the complement: PCLO is on the minus strand). VCF-style: chr7-82951397-G-C. GRCh37 (hg19) VCF-style: chr7-82580713-G-C.
Other names: c.9191C>G, p.Ser3064Cys (NM_014510.3); short protein forms S3064C.
Identifiers: ClinVar variation 1504287 (VCV001504287.8), dbSNP rs2116427404, ClinGen allele CA367909010.
Genomic context (GRCh38, chr7:82,951,397, plus strand): 5'-GACCTCAAAACACTCCCCACACAATACTGGGGTCCTGGTGGTGGTGTCATTCTTGCTGTG[G>C]AATACTGTGGGGTACTAATCCCAGCTCCTGAAATGACTTGTCGTGTTTCTGGATATGGAC-3'
Protein context (NP_149015.2, residues 3054-3074): SGAGISTPQY[Ser3064Cys]TARMTPPPGP

ClinVar aggregate classification (germline): Uncertain significance (1 of 4 stars; one submission).

Allele frequency attached by ClinVar (database versions not stated): gnomAD exomes below 0.00001.
gnomAD v4.1: 2 of 1,600,860 alleles (0.00012%); highest among the groups gnomAD compares: Non-Finnish European, 0.00017%; no homozygotes.

Submission:

Labcorp Genetics (formerly Invitae), Labcorp
Classification: Uncertain significance. Last evaluated: 2025-02-26. Review status: criteria provided, single submitter. Criteria: Invitae Variant Classification Sherloc (09022015). Collection method: clinical testing. Allele origin: germline.
Comment: This sequence change replaces serine, which is neutral and polar, with cysteine, which is neutral and slightly polar, at codon 3064 of the PCLO protein (p.Ser3064Cys). This variant is not present in population databases (gnomAD no frequency). This variant has not been reported in the literature in individuals affected with PCLO-related conditions. ClinVar contains an entry for this variant (Variation ID: 1504287). Experimental studies and prediction algorithms are not available or were not evaluated, and the functional significance of this variant is currently unknown. In summary, the available evidence is currently insufficient to determine the role of this variant in disease. Therefore, it has been classified as a Variant of Uncertain Significance.